The following is an entry in ClinVar:

NM_004397.6(DDX6):c.1123C>T (p.Arg375Cys)

Gene: DDX6 (DEAD-box helicase 6; minus strand). Cytogenetic location: 11q23.3.
Variant type: single nucleotide variant.
Coding change: c.1123C>T on transcript NM_004397.6 (MANE Select); coding-DNA position 1123, C replaced by T.
Protein change: p.Arg375Cys; replaces arginine 375 with cysteine.
Molecular consequence: missense variant.
Genome position (GRCh38, 1-based): chr11:118,756,311, G>A on the plus strand (C>T on the coding strand, the complement: DDX6 is on the minus strand). VCF-style: chr11-118756311-G-A. GRCh37 (hg19) VCF-style: chr11-118627020-G-A.
Other names: c.1123C>T, p.Arg375Cys (NM_001257191.3, NM_001425145.1, NM_001425146.1); c.1120C>T, p.Arg374Cys (NM_001425147.1, NM_001425148.1); c.994C>T, p.Arg332Cys (NM_001425149.1, NM_001425150.1); c.976C>T, p.Arg326Cys (NM_001425151.1, NM_001425152.1); c.847C>T, p.Arg283Cys (NM_001425153.1); c.799C>T, p.Arg267Cys (NM_001425154.1); short protein forms R375C, R267C, R326C, R283C, R332C, R374C.
Identifiers: ClinVar variation 5009510 (VCV005009510.1).

ClinVar aggregate classification (germline): Uncertain significance (1 of 4 stars; one submission).

Submission:

GeneDx
Classification: Uncertain significance. Last evaluated: 2026-03-21. Review status: criteria provided, single submitter. Criteria: GeneDx Variant Classification Process June 2021. Collection method: clinical testing. Allele origin: germline.
Comment: Not observed at significant frequency in large population cohorts (gnomAD); In silico analysis supports that this missense variant has a deleterious effect on protein structure/function; Has not been previously published as pathogenic or benign to our knowledge